The following is an entry in ClinVar:

ClinVar aggregate classification (germline): Uncertain significance (1 of 4 stars; one submission).

Submission:

GeneDx
Classification: Uncertain significance. Last evaluated: 2025-02-17. Review status: criteria provided, single submitter. Criteria: GeneDx Variant Classification Process June 2021. Collection method: clinical testing. Allele origin: germline. Affected: yes.
Comment: Not observed at significant frequency in large population cohorts (gnomAD); In silico analysis supports that this missense variant has a deleterious effect on protein structure/function; Has not been previously published as pathogenic or benign to our knowledge

NM_002816.5(PSMD12):c.200T>C (p.Leu67Ser)

Gene: PSMD12 (proteasome 26S subunit, non-ATPase 12; minus strand). Cytogenetic location: 17q24.2.
Variant type: single nucleotide variant.
Coding change: c.200T>C on transcript NM_002816.5 (MANE Select); coding-DNA position 200, T replaced by C.
Protein change: p.Leu67Ser; replaces leucine 67 with serine.
Molecular consequence: missense variant.
Genome position (GRCh38, 1-based): chr17:67,357,400, A>G on the plus strand (T>C on the coding strand, the complement: PSMD12 is on the minus strand). VCF-style: chr17-67357400-A-G. GRCh37 (hg19) VCF-style: chr17-65353516-A-G.
Other names: c.23T>C, p.Leu8Ser (NM_001316341.2); c.140T>C, p.Leu47Ser (NM_174871.4); short protein forms L47S, L67S, L8S.
Identifiers: ClinVar variation 4075634 (VCV004075634.1).
Genomic context (GRCh38, chr17:67,357,400, plus strand): 5'-ATATTTTCATTAAGTAAATCCCATTCTTTAGCCTCATAGCACATCTTCACTACTGCAACT[A>G]AGATACGGGATGTCGATACCATATCGGAAGCCTGTAAGGGTAAAAATATATTGAAAGTTA-3'
Protein context (NP_002807.1, residues 57-77): ASDMVSTSRI[Leu67Ser]VAVVKMCYEA